The following is an entry in ClinVar:

ClinVar aggregate classification (germline): Uncertain significance (1 of 4 stars; one submission).

Submission:

GeneDx
Classification: Uncertain significance. Last evaluated: 2024-01-30. Review status: criteria provided, single submitter. Criteria: GeneDx Variant Classification Process June 2021. Collection method: clinical testing. Allele origin: germline. Affected: yes.
Comment: Not observed at significant frequency in large population cohorts (gnomAD); In silico analysis supports that this missense variant has a deleterious effect on protein structure/function; Has not been previously published as pathogenic or benign to our knowledge

NM_005215.4(DCC):c.1322C>T (p.Ser441Phe)

Gene: DCC (DCC netrin 1 receptor; plus strand). Cytogenetic location: 18q21.2.
Variant type: single nucleotide variant.
Coding change: c.1322C>T on transcript NM_005215.4 (MANE Select); coding-DNA position 1322, C replaced by T.
Protein change: p.Ser441Phe; replaces serine 441 with phenylalanine.
Molecular consequence: missense variant.
Genome position (GRCh38, 1-based): chr18:53,157,416, C>T. VCF-style: chr18-53157416-C-T. GRCh37 (hg19) VCF-style: chr18-50683786-C-T.
Other names: short protein forms S441F.
Identifiers: ClinVar variation 3343379 (VCV003343379.1).